The following is an entry in ClinVar:

NM_006904.7(PRKDC):c.2945A>T (p.Gln982Leu)

Gene: PRKDC (protein kinase, DNA-activated, catalytic subunit; minus strand). Cytogenetic location: 8q11.21.
Variant type: single nucleotide variant.
Coding change: c.2945A>T on transcript NM_006904.7 (MANE Select); coding-DNA position 2945, A replaced by T.
Protein change: p.Gln982Leu; replaces glutamine 982 with leucine.
Molecular consequence: missense variant.
Genome position (GRCh38, 1-based): chr8:47,904,966, T>A on the plus strand (A>T on the coding strand, the complement: PRKDC is on the minus strand). VCF-style: chr8-47904966-T-A. GRCh37 (hg19) VCF-style: chr8-48817526-T-A.
Other names: c.2945A>T, p.Gln982Leu (NM_001081640.2); short protein forms Q982L.
Identifiers: ClinVar variation 1937747 (VCV001937747.7), dbSNP rs1344482077, ClinGen allele CA371157634.

ClinVar aggregate classification (germline): Uncertain significance. Review status: criteria provided, multiple submitters, no conflicts (2 of 4 stars). 2 submissions from 2 submitters: Uncertain significance (2). Last evaluated 2023-06-21.

Conditions:
Severe combined immunodeficiency due to DNA-PKcs deficiency. Also called: IMMUNODEFICIENCY 26 WITH NEUROLOGIC ABNORMALITIES; Immunodeficiency 26 with or without neurologic abnormalities. Identifiers: Orphanet 317425, MedGen C4014833, MONDO:0014423, OMIM 615966.

gnomAD v4.1: 1 of 1,611,998 alleles (0.000062%); highest among the groups gnomAD compares: Non-Finnish European, 0.000085%; no homozygotes.

Submissions (2):

Ambry Genetics
Classification: Uncertain significance. Last evaluated: 2023-06-21. Review status: criteria provided, single submitter. Criteria: Ambry Variant Classification Scheme 2023. Collection method: clinical testing. Allele origin: germline.
Comment: The p.Q982L variant (also known as c.2945A>T), located in coding exon 26 of the PRKDC gene, results from an A to T substitution at nucleotide position 2945. The glutamine at codon 982 is replaced by leucine, an amino acid with dissimilar properties. This amino acid position is conserved. In addition, this alteration is predicted to be deleterious by in silico analysis. Since supporting evidence is limited at this time, the clinical significance of this alteration remains unclear.

Labcorp Genetics (formerly Invitae), Labcorp
Classification: Uncertain significance for Severe combined immunodeficiency due to DNA-PKcs deficiency. Last evaluated: 2022-06-01. Review status: criteria provided, single submitter. Criteria: Invitae Variant Classification Sherloc (09022015). Collection method: clinical testing. Allele origin: germline.
Comment: In summary, the available evidence is currently insufficient to determine the role of this variant in disease. Therefore, it has been classified as a Variant of Uncertain Significance. Experimental studies and prediction algorithms are not available or were not evaluated, and the functional significance of this variant is currently unknown. This variant has not been reported in the literature in individuals affected with PRKDC-related conditions. This variant is not present in population databases (gnomAD no frequency). This sequence change replaces glutamine, which is neutral and polar, with leucine, which is neutral and non-polar, at codon 982 of the PRKDC protein (p.Gln982Leu).